The following is an entry in ClinVar:

ClinVar aggregate classification (germline): Likely benign (1 of 4 stars; one submission).

Submission:

CeGaT Center for Human Genetics Tuebingen
Classification: Likely benign. Last evaluated: 2024-08-01. Review status: criteria provided, single submitter. Criteria: CeGaT Center For Human Genetics Tuebingen Variant Classification Criteria Version 2. Collection method: clinical testing. Allele origin: germline. Affected: yes. Observed: 1 variant allele.
Comment: MYH7: PM2:Supporting, BP4, BP7

NM_000257.4(MYH7):c.4098G>C (p.Ser1366=)

Gene: MYH7 (myosin heavy chain 7; minus strand). Cytogenetic location: 14q11.2.
Variant type: single nucleotide variant.
Coding change: c.4098G>C on transcript NM_000257.4 (MANE Select); coding-DNA position 4098, G replaced by C.
Protein change: p.Ser1366=; no amino-acid change (serine 1366 retained).
Molecular consequence: synonymous variant.
Genome position (GRCh38, 1-based): chr14:23,418,281, C>G on the plus strand (G>C on the coding strand, the complement: MYH7 is on the minus strand). VCF-style: chr14-23418281-C-G. GRCh37 (hg19) VCF-style: chr14-23887490-C-G.
Other names: c.4098G>C, p.Ser1366= (NM_001407004.1).
Identifiers: ClinVar variation 3341803 (VCV003341803.16).